The following is an entry in ClinVar:

NM_006231.4(POLE):c.1285A>G (p.Lys429Glu)

Gene: POLE (DNA polymerase epsilon, catalytic subunit; minus strand). Cytogenetic location: 12q24.33.
Variant type: single nucleotide variant.
Coding change: c.1285A>G on transcript NM_006231.4 (MANE Select); coding-DNA position 1285, A replaced by G.
Protein change: p.Lys429Glu; replaces lysine 429 with glutamic acid.
Molecular consequence: missense variant.
Genome position (GRCh38, 1-based): chr12:132,673,649, T>C on the plus strand (A>G on the coding strand, the complement: POLE is on the minus strand). VCF-style: chr12-132673649-T-C. GRCh37 (hg19) VCF-style: chr12-133250235-T-C.
Other names: short protein forms K429E.
Identifiers: ClinVar variation 4862256 (VCV004862256.1).
Genomic context (GRCh38, chr12:132,673,649, plus strand): 5'-TGGCCATCCGGCACATGTCCTCCGGGTCTAGCTCCACGGGATCATAGCCTAGCTTGGCCT[T>C]GGCGGCCGCCTTGAGATTATGACTGCCCACAGGAAGGTAACTGTCCCTCTTCACCCACCT-3'
Protein context (NP_006222.2, residues 419-439): VGSHNLKAAA[Lys429Glu]AKLGYDPVEL

ClinVar aggregate classification (germline): Uncertain significance (1 of 4 stars; one submission).

Conditions:
Hereditary cancer-predisposing syndrome. Also called: Neoplastic Syndromes, Hereditary; Tumor predisposition; Hereditary Cancer Syndrome; Hereditary neoplastic syndrome. Identifiers: Orphanet 140162, MedGen C0027672, MeSH D009386, MONDO:0015356.

Submission:

Ambry Genetics
Classification: Uncertain significance for Hereditary cancer-predisposing syndrome. Last evaluated: 2026-03-30. Review status: criteria provided, single submitter. Criteria: Ambry Variant Classification Scheme 2023. Collection method: clinical testing. Allele origin: germline.
Comment: The p.K429E variant (also known as c.1285A>G), located in coding exon 13 of the POLE gene, results from an A to G substitution at nucleotide position 1285. The lysine at codon 429 is replaced by glutamic acid, an amino acid with similar properties. This amino acid position is conserved. In addition, the in silico prediction for this alteration is inconclusive. Based on the available evidence, the clinical significance of this variant remains unclear.